The following is an entry in ClinVar:

NM_152743.4(BRAT1):c.803+3C>T

Gene: BRAT1 (BRCA1 associated ATM activator 1; minus strand). Cytogenetic location: 7p22.3.
Variant type: single nucleotide variant.
Coding change: c.803+3C>T on transcript NM_152743.4 (MANE Select); 3 bases into the intron after coding-DNA position 803, C replaced by T.
Molecular consequence: intron variant.
Genome position (GRCh38, 1-based): chr7:2,543,587, G>A on the plus strand (C>T on the coding strand, the complement: BRAT1 is on the minus strand). VCF-style: chr7-2543587-G-A. GRCh37 (hg19) VCF-style: chr7-2583221-G-A.
Other names: c.278+3C>T (NM_001350627.2); c.803+3C>T (NM_001350626.2).
Identifiers: ClinVar variation 1940163 (VCV001940163.5), dbSNP rs2534385719, ClinGen allele CA2580077113.

ClinVar aggregate classification (germline): Uncertain significance (1 of 4 stars; one submission).

Conditions:
Neonatal-onset encephalopathy with rigidity and seizures. Also called: Lethal neonatal spasticity-epileptic encephalopathy syndrome. Identifiers: Orphanet 435845, MedGen C3281029, MONDO:0013784, OMIM 614498.

Submission:

Labcorp Genetics (formerly Invitae), Labcorp
Classification: Uncertain significance for Neonatal-onset encephalopathy with rigidity and seizures. Last evaluated: 2022-09-07. Review status: criteria provided, single submitter. Criteria: Invitae Variant Classification Sherloc (09022015). Collection method: clinical testing. Allele origin: germline.
Comment: This sequence change falls in intron 5 of the BRAT1 gene. It does not directly change the encoded amino acid sequence of the BRAT1 protein. It affects a nucleotide within the consensus splice site. This variant is not present in population databases (gnomAD no frequency). This variant has not been reported in the literature in individuals affected with BRAT1-related conditions. Variants that disrupt the consensus splice site are a relatively common cause of aberrant splicing (PMID: 17576681, 9536098). Algorithms developed to predict the effect of sequence changes on RNA splicing suggest that this variant is not likely to affect RNA splicing. In summary, the available evidence is currently insufficient to determine the role of this variant in disease. Therefore, it has been classified as a Variant of Uncertain Significance.

Literature cited by the submitters: PubMed 17576681; PubMed 9536098.